The following is an entry in ClinVar:

ClinVar aggregate classification (germline): Uncertain significance (1 of 4 stars; one submission).

Submission:

Labcorp Genetics (formerly Invitae), Labcorp
Classification: Uncertain significance. Last evaluated: 2021-12-02. Review status: criteria provided, single submitter. Criteria: Invitae Variant Classification Sherloc (09022015). Collection method: clinical testing. Allele origin: germline.
Comment: This variant has not been reported in the literature in individuals affected with POLR1A-related conditions. This sequence change replaces leucine, which is neutral and non-polar, with valine, which is neutral and non-polar, at codon 851 of the POLR1A protein (p.Leu851Val). This variant is not present in population databases (gnomAD no frequency). Algorithms developed to predict the effect of missense changes on protein structure and function are either unavailable or do not agree on the potential impact of this missense change (SIFT: "Not Available"; PolyPhen-2: "Probably Damaging"; Align-GVGD: "Not Available"). In summary, the available evidence is currently insufficient to determine the role of this variant in disease. Therefore, it has been classified as a Variant of Uncertain Significance.

NM_015425.6(POLR1A):c.2551C>G (p.Leu851Val)

Gene: POLR1A (RNA polymerase I subunit A; minus strand). Cytogenetic location: 2p11.2.
Variant type: single nucleotide variant.
Coding change: c.2551C>G on transcript NM_015425.6 (MANE Select); coding-DNA position 2551, C replaced by G.
Protein change: p.Leu851Val; replaces leucine 851 with valine.
Molecular consequence: missense variant.
Genome position (GRCh38, 1-based): chr2:86,048,967, G>C on the plus strand (C>G on the coding strand, the complement: POLR1A is on the minus strand). VCF-style: chr2-86048967-G-C. GRCh37 (hg19) VCF-style: chr2-86276090-G-C.
Other names: short protein forms L851V.
Identifiers: ClinVar variation 2023670 (VCV002023670.4), dbSNP rs759415720, ClinGen allele CA347540826.